The following is an entry in ClinVar:

NM_000051.4(ATM):c.7784A>G (p.Asp2595Gly)

Genes: ATM (ATM serine/threonine kinase; plus strand), C11orf65 (chromosome 11 open reading frame 65; minus strand). Cytogenetic location: 11q22.3.
Variant type: single nucleotide variant.
Coding change: c.7784A>G on transcript NM_000051.4 (MANE Select); coding-DNA position 7784, A replaced by G.
Protein change: p.Asp2595Gly; replaces aspartic acid 2595 with glycine.
Molecular consequence: missense variant. On other transcripts: intron variant (2).
Genome position (GRCh38, 1-based): chr11:108,332,033, A>G. VCF-style: chr11-108332033-A-G. GRCh37 (hg19) VCF-style: chr11-108202760-A-G.
Other names: c.7784A>G, p.Asp2595Gly (NM_001351834.2); c.641-22962T>C (NM_001330368.2); c.*38+3187T>C (NM_001351110.2); short protein forms D2595G.
Identifiers: ClinVar variation 3223042 (VCV003223042.1), dbSNP rs2136529138, ClinGen allele CA382561215.
Genomic context (GRCh38, chr11:108,332,033, plus strand): 5'-CAGAGGTAGCCAGAAGAAGCAGAATAACTAAAAATGTGCCTAAACAAAGCTCTCAGCTTG[A>G]TGAGGTATTTGGATTAAACATACGTACCTTTTAGAAGTGTGATATTCAGTCTTTCCTAGA-3'
Protein context (NP_000042.3, residues 2585-2605): KNVPKQSSQL[Asp2595Gly]EDRTEAANRI

ClinVar aggregate classification (germline): Uncertain significance (1 of 4 stars; one submission).

Conditions:
Hereditary cancer-predisposing syndrome. Also called: Tumor predisposition; Hereditary Cancer Syndrome; Hereditary neoplastic syndrome; Neoplastic Syndromes, Hereditary. Identifiers: Orphanet 140162, MedGen C0027672, MeSH D009386, MONDO:0015356.

Submission:

Ambry Genetics
Classification: Uncertain significance for Hereditary cancer-predisposing syndrome. Last evaluated: 2023-10-05. Review status: criteria provided, single submitter. Criteria: Ambry Variant Classification Scheme 2023. Collection method: clinical testing. Allele origin: germline.
Comment: The p.D2595G variant (also known as c.7784A>G), located in coding exon 51 of the ATM gene, results from an A to G substitution at nucleotide position 7784. The aspartic acid at codon 2595 is replaced by glycine, an amino acid with similar properties. This amino acid position is conserved. In addition, this alteration is predicted to be deleterious by in silico analysis. Since supporting evidence is limited at this time, the clinical significance of this alteration remains unclear.